The following is an entry in ClinVar:

NC_000009.12:g.(?_130479706)_(130480459_?)del

Gene: ASS1 (argininosuccinate synthase 1; plus strand). Cytogenetic location: 9q34.11.
Variant type: Deletion.
Identifiers: ClinVar variation 830468 (VCV000830468.5).

ClinVar aggregate classification (germline): Likely pathogenic (1 of 4 stars; one submission).

Conditions:
Citrullinemia type I (CTNL1). Also called: ASS DEFICIENCY; argininosuccinate synthetase deficiency. Identifiers: Orphanet 247525, MedGen C4721769, MONDO:0008988, OMIM 215700.

Submission:

Labcorp Genetics (formerly Invitae), Labcorp
Classification: Likely pathogenic for Citrullinuria. Last evaluated: 2019-06-10. Review status: criteria provided, single submitter. Criteria: Invitae Variant Classification Sherloc (09022015). Collection method: clinical testing. Allele origin: germline.
Comment: This variant is an in-frame deletion of the genomic region encompassing exons 11-12 of the ASS1 gene. It preserves the integrity of the reading frame. Deletions of exons 11-12 have been observed in individuals affected with citrullinemia type 1 (PMID: 22494545, 19006241). This variant disrupts the p.Val263 amino acid residue in ASS1. Other variant(s) that disrupt this residue have been determined to be pathogenic (PMID: 14680976, 18473344, 21244552, 23780642, 18925679). This suggests that this residue is clinically significant, and that variants that disrupt this residue are likely to be disease-causing. In summary, the currently available evidence indicates that the variant is pathogenic, but additional data are needed to prove that conclusively. Therefore, this variant has been classified as Likely Pathogenic.

Literature cited by the submitters: PubMed 23780642; PubMed 19006241; PubMed 18925679; PubMed 14680976; PubMed 21244552; PubMed 18473344; PubMed 22494545.